The following is an entry in ClinVar:

ClinVar aggregate classification (germline): Uncertain significance (1 of 4 stars; one submission).

Conditions:
Progressive familial heart block type IB (PFHB1B). Identifiers: Orphanet 871, MedGen C1970298, MONDO:0011474, OMIM 604559.

Submission:

Labcorp Genetics (formerly Invitae), Labcorp
Classification: Uncertain significance for Progressive familial heart block type IB. Last evaluated: 2026-01-19. Review status: criteria provided, single submitter. Criteria: Invitae Variant Classification Sherloc (09022015). Collection method: clinical testing. Allele origin: germline.
Comment: This sequence change replaces glutamine, which is neutral and polar, with histidine, which is basic and polar, at codon 973 of the TRPM4 protein (p.Gln973His). This variant is not present in population databases (gnomAD no frequency). This variant has not been reported in the literature in individuals affected with TRPM4-related conditions. An algorithm developed to predict the effect of missense changes on protein structure and function (PolyPhen-2) suggests that this variant is likely to be disruptive. In summary, the available evidence is currently insufficient to determine the role of this variant in disease. Therefore, it has been classified as a Variant of Uncertain Significance.

NM_017636.4(TRPM4):c.2919G>C (p.Gln973His)

Gene: TRPM4 (transient receptor potential cation channel subfamily M member 4; plus strand). Cytogenetic location: 19q13.33.
Variant type: single nucleotide variant.
Coding change: c.2919G>C on transcript NM_017636.4 (MANE Select); coding-DNA position 2919, G replaced by C.
Protein change: p.Gln973His; replaces glutamine 973 with histidine.
Molecular consequence: missense variant.
Genome position (GRCh38, 1-based): chr19:49,200,751, G>C. VCF-style: chr19-49200751-G-C. GRCh37 (hg19) VCF-style: chr19-49704008-G-C.
Other names: c.2484G>C, p.Gln828His (NM_001195227.2); c.2574G>C, p.Gln858His (NM_001321281.2); c.1311G>C, p.Gln437His (NM_001321282.2); c.2397G>C, p.Gln799His (NM_001321283.2); c.1857G>C, p.Gln619His (NM_001321285.2); short protein forms Q799H, Q437H, Q858H, Q973H, Q619H, Q828H.
Identifiers: ClinVar variation 4743996 (VCV004743996.1).
Genomic context (GRCh38, chr19:49,200,751, plus strand): 5'-GCCACGGGACAGTGACTTCCCAAGTATCCTGCGCCGCGTCTTCTACCGTCCCTACCTGCA[G>C]ATCTTCGGGCAGATTCCCCAGGAGGACATGGACGGTAGGGGGGATGACGGCCTGACAGCC-3'
Protein context (NP_060106.2, residues 963-983): LRRVFYRPYL[Gln973His]IFGQIPQEDM